The following is an entry in ClinVar:

NM_001394062.1(MACF1):c.1243C>T (p.Arg415Trp)

Gene: MACF1 (microtubule actin crosslinking factor 1; plus strand). Cytogenetic location: 1p34.3.
Variant type: single nucleotide variant.
Coding change: c.1243C>T on transcript NM_001394062.1 (MANE Select); coding-DNA position 1243, C replaced by T.
Protein change: p.Arg415Trp; replaces arginine 415 with tryptophan.
Molecular consequence: missense variant.
Genome position (GRCh38, 1-based): chr1:39,285,194, C>T. VCF-style: chr1-39285194-C-T. GRCh37 (hg19) VCF-style: chr1-39750866-C-T.
Other names: c.1258C>T, p.Arg420Trp (NM_012090.5); short protein forms R415W, R420W.
Identifiers: ClinVar variation 4832139 (VCV004832139.1).

ClinVar aggregate classification (germline): Uncertain significance (1 of 4 stars; one submission).

Conditions:
Inborn genetic diseases. Identifiers: MedGen C0950123, MeSH D030342.

Submission:

Ambry Genetics
Classification: Uncertain significance for Inborn genetic diseases. Last evaluated: 2026-01-21. Review status: criteria provided, single submitter. Criteria: Ambry Variant Classification Scheme 2023. Collection method: clinical testing. Allele origin: germline.
Comment: The c.1258C>T (p.R420W) alteration is located in exon 13 (coding exon 11) of the MACF1 gene. This alteration results from a C to T substitution at nucleotide position 1258, causing the arginine (R) at amino acid position 420 to be replaced by a tryptophan (W). Based on data from gnomAD, the T allele has an overall frequency of 0.003% (1/31384) total alleles studied. The highest observed frequency was 0.118% (1/846) of Latino alleles. Based on insufficient or conflicting evidence, the clinical significance of this alteration remains unclear.